The following is an entry in ClinVar:

NM_001754.5(RUNX1):c.999G>T (p.Pro333=)

Gene: RUNX1 (RUNX family transcription factor 1; minus strand). Cytogenetic location: 21q22.12.
Variant type: single nucleotide variant.
Coding change: c.999G>T on transcript NM_001754.5 (MANE Select); coding-DNA position 999, G replaced by T.
Protein change: p.Pro333=; no amino-acid change (proline 333 retained).
Molecular consequence: synonymous variant.
Genome position (GRCh38, 1-based): chr21:34,792,579, C>A on the plus strand (G>T on the coding strand, the complement: RUNX1 is on the minus strand). VCF-style: chr21-34792579-C-A. GRCh37 (hg19) VCF-style: chr21-36164876-C-A.
Other names: NM_001754.5(RUNX1):c.999G>T; p.Pro333=; c.918G>T, p.Pro306= (NM_001001890.3).
Identifiers: ClinVar variation 1628628 (VCV001628628.9), dbSNP rs956885198, ClinGen allele CA320251631.
Genomic context (GRCh38, chr21:34,792,579, plus strand): 5'-GAAGGCGCCTGGATAGTGCATGCGGGGGTCGGAGATGGAGGGCAGCGCGGGGAACTGGCG[C>A]GGGTCGCTGAACGCTGTCAGGTCGGGTGCCGCTGCAGGGCGGGCAAGAGAACGGAGCGGA-3'
Protein context (NP_001745.2, residues 323-343): TAPDLTAFSD[Pro333=]RQFPALPSIS

ClinVar aggregate classification (germline): Likely benign. Review status: reviewed by expert panel (3 of 4 stars). 2 submissions from 2 submitters: Likely benign (1). 1 of the submissions does not count toward it. Last evaluated 2024-06-24.

Conditions:
Hereditary thrombocytopenia and hematological cancer predisposition syndrome associated with RUNX1. Also called: Familial Platelet Disorder with Propensity to Acute Myelogenous Leukemia; Familial thrombocytopenia with propensity to acute myelogenous leukemia; PLATELET DISORDER, ASPIRIN-LIKE; RUNX1 Familial Platelet Disorder with Associated Myeloid Malignancies. Identifiers: Orphanet 71290, MedGen C1832388, MeSH C563324, MONDO:0100083, OMIM 601399.

gnomAD v4.1: 2 of 1,602,266 alleles (0.00012%); highest among the groups gnomAD compares: Non-Finnish European, 0.00017%; no homozygotes.

Submissions (2):

ClinGen Myeloid Malignancy Variant Curation Expert Panel
Classification: Likely benign for Hereditary thrombocytopenia and hematological cancer predisposition syndrome associated with RUNX1. Last evaluated: 2024-06-24. Review status: reviewed by expert panel. Criteria: ClinGen MyeloMalig ACMG Specifications v2. Collection method: curation. Allele origin: germline. Inheritance: Autosomal dominant inheritance.
Comment: This synonymous variant has a SpliceAI Δ score of 0.00 (BP4). Evolutionary conservation prediction algorithms predict the site as not being conserved (PhyloP score -0.008 (< 2)) (BP7). This variant is completely absent from all population databases with at least 20x coverage for RUNX1 (PM2_supporting). In summary, this variant meets criteria to be classified as likely benign. ACMG/AMP criteria applied, as specified by the Myeloid Malignancy Variant Curation Expert Panel for RUNX1: BP4, BP7, PM2_supporting.

Labcorp Genetics (formerly Invitae), Labcorp
Classification: Likely benign for Hereditary thrombocytopenia and hematological cancer predisposition syndrome associated with RUNX1. Last evaluated: 2023-01-16. Review status: criteria provided, single submitter. Criteria: Invitae Variant Classification Sherloc (09022015). Collection method: clinical testing. Allele origin: germline. Not counted in ClinVar's aggregate classification.